The following is an entry in ClinVar:

NM_003640.5(ELP1):c.2443A>T (p.Lys815Ter)

Gene: ELP1 (elongator acetyltransferase complex subunit 1; minus strand). Cytogenetic location: 9q31.3.
Variant type: single nucleotide variant.
Coding change: c.2443A>T on transcript NM_003640.5 (MANE Select); coding-DNA position 2443, A replaced by T.
Protein change: p.Lys815Ter; replaces lysine 815 with a stop codon.
Molecular consequence: nonsense.
Genome position (GRCh38, 1-based): chr9:108,897,206, T>A on the plus strand (A>T on the coding strand, the complement: ELP1 is on the minus strand). VCF-style: chr9-108897206-T-A. GRCh37 (hg19) VCF-style: chr9-111659486-T-A.
Other names: c.2101A>T, p.Lys701Ter (NM_001318360.2); c.1396A>T, p.Lys466Ter (NM_001330749.2); short protein forms K466*, K701*, K815*.
Identifiers: ClinVar variation 4815197 (VCV004815197.1).
Genomic context (GRCh38, chr9:108,897,206, plus strand): 5'-ACTTATGAGGATTTATGCTCTCCATGACTGCTCTCATAGCATCGCAGACAAGGTCTATTT[T>A]ATTCCCGTCAGGATCCCTGGACAGGTAGACACTGCTGGTAACTGGTGCAGGGTACATGGT-3'

ClinVar aggregate classification (germline): Likely pathogenic (1 of 4 stars; one submission).

Conditions:
Familial dysautonomia. Also called: HSAN III; FD. Identifiers: Orphanet 1764, MedGen C0013364, MONDO:0009131, OMIM 223900. Disease mechanism: loss of function.

Submission:

Natera, Inc.
Classification: Likely pathogenic for Familial dysautonomia. Last evaluated: 2025-10-17. Review status: criteria provided, single submitter. Criteria: Natera Variant Classification Schema (03/2026). Collection method: clinical testing. Allele origin: germline.
Comment: The c.2443A>T variant in ELP1 is a nonsense variant predicted to introduce a stop codon at amino acid 815. This variant is expected to result in nonsense mediated decay, truncation, or a dysfunctional protein product. This variant is rare in the general population with a frequency below the threshold expected for the associated phenotype(s). Given the available evidence, this variant is classified as Likely Pathogenic.